The following is an entry in ClinVar:

ClinVar aggregate classification (germline): Uncertain significance (1 of 4 stars; one submission).

Conditions:
MHC class I deficiency. Identifiers: Orphanet 34592, MedGen C6024714, MONDO:0011476.

Allele frequency attached by ClinVar (database versions not stated): gnomAD exomes below 0.00001.
gnomAD v4.1: 7 of 1,607,986 alleles (0.00044%); highest among the groups gnomAD compares: African/African-American, 0.0013%; no homozygotes.

Submission:

Labcorp Genetics (formerly Invitae), Labcorp
Classification: Uncertain significance for MHC class I deficiency 1. Last evaluated: 2021-04-09. Review status: criteria provided, single submitter. Criteria: Invitae Variant Classification Sherloc (09022015). Collection method: clinical testing. Allele origin: germline.
Comment: Algorithms developed to predict the effect of sequence changes on RNA splicing suggest that this variant may create or strengthen a splice site, but this prediction has not been confirmed by published transcriptional studies. Algorithms developed to predict the effect of missense changes on protein structure and function (SIFT, PolyPhen-2, Align-GVGD) all suggest that this variant is likely to be tolerated, but these predictions have not been confirmed by published functional studies and their clinical significance is uncertain. This variant has not been reported in the literature in individuals with TAP1-related conditions. This variant is not present in population databases (ExAC no frequency). This sequence change replaces leucine with valine at codon 588 of the TAP1 protein (p.Leu588Val). The leucine residue is highly conserved and there is a small physicochemical difference between leucine and valine. In summary, the available evidence is currently insufficient to determine the role of this variant in disease. Therefore, it has been classified as a Variant of Uncertain Significance.

NM_000593.6(TAP1):c.1582C>G (p.Leu528Val)

Gene: TAP1 (transporter 1, ATP binding cassette subfamily B member; minus strand). Cytogenetic location: 6p21.32.
Variant type: single nucleotide variant.
Coding change: c.1582C>G on transcript NM_000593.6 (MANE Select); coding-DNA position 1582, C replaced by G.
Protein change: p.Leu528Val; replaces leucine 528 with valine.
Molecular consequence: missense variant.
Genome position (GRCh38, 1-based): chr6:32,848,077, G>C on the plus strand (C>G on the coding strand, the complement: TAP1 is on the minus strand). VCF-style: chr6-32848077-G-C. GRCh37 (hg19) VCF-style: chr6-32815854-G-C.
Other names: c.979C>G, p.Leu327Val (NM_001292022.2); short protein forms L327V, L528V.
Identifiers: ClinVar variation 1510748 (VCV001510748.8), dbSNP rs1179882145, ClinGen allele CA363591660.